The following is an entry in ClinVar:

NM_005529.7(HSPG2):c.3755G>C (p.Gly1252Ala)

Gene: HSPG2 (heparan sulfate proteoglycan 2; minus strand). Cytogenetic location: 1p36.12.
Variant type: single nucleotide variant.
Coding change: c.3755G>C on transcript NM_005529.7 (MANE Select); coding-DNA position 3755, G replaced by C.
Protein change: p.Gly1252Ala; replaces glycine 1252 with alanine.
Molecular consequence: missense variant.
Genome position (GRCh38, 1-based): chr1:21,873,413, C>G on the plus strand (G>C on the coding strand, the complement: HSPG2 is on the minus strand). VCF-style: chr1-21873413-C-G. GRCh37 (hg19) VCF-style: chr1-22199906-C-G.
Other names: c.3758G>C, p.Gly1253Ala (NM_001291860.2); short protein forms G1252A, G1253A.
Identifiers: ClinVar variation 2415398 (VCV002415398.6), dbSNP rs1231190346, ClinGen allele CA338960096.

ClinVar aggregate classification (germline): Uncertain significance (1 of 4 stars; one submission).

Allele frequency attached by ClinVar (database versions not stated): gnomAD exomes below 0.00001; TOPMed below 0.00001; gnomAD 0.00001.
gnomAD v4.1: 9 of 1,613,904 alleles (0.00056%); highest among the groups gnomAD compares: Admixed American, 0.0017%; no homozygotes.

Submission:

Labcorp Genetics (formerly Invitae), Labcorp
Classification: Uncertain significance. Last evaluated: 2022-03-26. Review status: criteria provided, single submitter. Criteria: Invitae Variant Classification Sherloc (09022015). Collection method: clinical testing. Allele origin: germline.
Comment: In summary, the available evidence is currently insufficient to determine the role of this variant in disease. Therefore, it has been classified as a Variant of Uncertain Significance. Algorithms developed to predict the effect of missense changes on protein structure and function are either unavailable or do not agree on the potential impact of this missense change (SIFT: "Deleterious"; PolyPhen-2: "Probably Damaging"; Align-GVGD: "Class C0"). This variant has not been reported in the literature in individuals affected with HSPG2-related conditions. This variant is not present in population databases (gnomAD no frequency). This sequence change replaces glycine, which is neutral and non-polar, with alanine, which is neutral and non-polar, at codon 1252 of the HSPG2 protein (p.Gly1252Ala).